The following is an entry in ClinVar:

NM_006204.4(PDE6C):c.1738-3dup

Gene: PDE6C (phosphodiesterase 6C; plus strand). Cytogenetic location: 10q23.33.
Variant type: Duplication.
Coding change: c.1738-3dup on transcript NM_006204.4 (MANE Select); 3 bases into the intron before coding-DNA position 1738, one base duplicated (T; older notation c.1738-3dupT).
Molecular consequence: intron variant.
Genome position (GRCh38, 1-based): chr10:93,640,917, T duplicated; the last of 7 consecutive T bases (chr10:93,640,911-93,640,917); duplicating any one gives the same sequence. VCF-style (leftmost placement, unchanged base first): chr10-93640910-A-AT. GRCh37 (hg19) VCF-style: chr10-95400667-A-AT.
Other names: c.1738-3dupT (NM_006204.3).
Identifiers: ClinVar variation 1949846 (VCV001949846.7), dbSNP rs758568616, ClinGen allele CA595282333.

ClinVar aggregate classification (germline): Benign. Review status: criteria provided, single submitter (1 of 4 stars). 2 submissions from 2 submitters: Benign (1). 1 of the submissions does not count toward it. Last evaluated 2024-01-14.

Conditions:
PDE6C-related disorder. Also called: PDE6C-related condition.

Submissions (2):

Labcorp Genetics (formerly Invitae), Labcorp
Classification: Benign. Last evaluated: 2024-01-14. Review status: criteria provided, single submitter. Criteria: Invitae Variant Classification Sherloc (09022015). Collection method: clinical testing. Allele origin: germline.

PreventionGenetics, part of Exact Sciences
Classification: Likely benign for PDE6C-related condition. Last evaluated: 2022-01-17. Review status: no assertion criteria provided. Collection method: clinical testing. Allele origin: germline. Not counted in ClinVar's aggregate classification.
Comment: This variant is classified as likely benign based on ACMG/AMP sequence variant interpretation guidelines (Richards et al. 2015 PMID: 25741868, with internal and published modifications).